The following is an entry in ClinVar:

ClinVar aggregate classification (germline): Benign/Likely benign. Review status: criteria provided, multiple submitters, no conflicts (2 of 4 stars). 3 submissions from 3 submitters: Benign (1); Likely benign (2). Last evaluated 2026-04-20.

Conditions:
Familial adenomatous polyposis 1 (FAP1). Also called: FAMILIAL ADENOMATOUS POLYPOSIS 1, ATTENUATED; POLYPOSIS, ADENOMATOUS INTESTINAL. Identifiers: MedGen C2713442, MONDO:0021056, OMIM 175100. Disease mechanism: loss of function.
Hereditary cancer-predisposing syndrome. Also called: Tumor predisposition; Hereditary Cancer Syndrome; Neoplastic Syndromes, Hereditary; Hereditary neoplastic syndrome. Identifiers: Orphanet 140162, MedGen C0027672, MeSH D009386, MONDO:0015356.

Submissions (3):

Ambry Genetics
Classification: Likely benign for Hereditary cancer-predisposing syndrome. Last evaluated: 2026-04-20. Review status: criteria provided, single submitter. Criteria: Ambry Variant Classification Scheme 2023. Collection method: clinical testing. Allele origin: germline.

Myriad Genetics, Inc.
Classification: Benign for Familial adenomatous polyposis 1. Last evaluated: 2024-04-11. Review status: criteria provided, single submitter. Criteria: Myriad Autosomal Dominant, Autosomal Recessive and X-Linked Classification Criteria (2023). Collection method: clinical testing. Allele origin: unknown.
Comment: This variant is considered benign. This variant is a silent/synonymous amino acid change and it is not expected to impact splicing.

Women's Health and Genetics/Laboratory Corporation of America, LabCorp
Classification: Likely benign. Last evaluated: 2019-08-20. Review status: criteria provided, single submitter. Criteria: LabCorp Variant Classification Summary - May 2015. Collection method: clinical testing. Allele origin: germline.

NM_000038.6(APC):c.7863T>A (p.Ser2621=)

Gene: APC (APC regulator of Wnt signaling pathway; plus strand). Cytogenetic location: 5q22.2.
Variant type: single nucleotide variant.
Coding change: c.7863T>A on transcript NM_000038.6 (MANE Select); coding-DNA position 7863, T replaced by A.
Protein change: p.Ser2621=; no amino-acid change (serine 2621 retained).
Molecular consequence: synonymous variant.
Genome position (GRCh38, 1-based): chr5:112,843,457, T>A. VCF-style: chr5-112843457-T-A. GRCh37 (hg19) VCF-style: chr5-112179154-T-A.
Other names: c.7863T>A, p.Ser2621= (NM_001127510.3, NM_001354895.2); c.7809T>A, p.Ser2603= (NM_001127511.3); c.7917T>A, p.Ser2639= (NM_001354896.2); c.7893T>A, p.Ser2631= (NM_001354897.2); c.7788T>A, p.Ser2596= (NM_001354898.2); c.7779T>A, p.Ser2593= (NM_001354899.2); c.7740T>A, p.Ser2580= (NM_001354900.2); c.7686T>A, p.Ser2562= (NM_001354901.2); and 5 more.
Identifiers: ClinVar variation 632636 (VCV000632636.4), dbSNP rs1561618785, ClinGen allele CA446210918.